The following is an entry in ClinVar:

ClinVar aggregate classification (germline): Uncertain significance. Review status: criteria provided, multiple submitters, no conflicts (2 of 4 stars). 2 submissions from 2 submitters: Uncertain significance (2). Last evaluated 2025-07-15.

Conditions:
GLUT1 deficiency syndrome 1, autosomal recessive. Identifiers: MedGen C3149117.

Allele frequency attached by ClinVar (database versions not stated): gnomAD exomes below 0.00001.
gnomAD v4.1: 6 of 1,613,922 alleles (0.00037%); highest among the groups gnomAD compares: Non-Finnish European, 0.00051%; no homozygotes.

Submissions (2):

GeneDx
Classification: Uncertain significance. Last evaluated: 2025-07-15. Review status: criteria provided, single submitter. Criteria: GeneDx Variant Classification Process June 2021. Collection method: clinical testing. Allele origin: germline. Affected: yes.
Comment: Not observed at significant frequency in large population cohorts (gnomAD); In silico analysis suggests that this missense variant does not alter protein structure/function; Has not been previously published as pathogenic or benign to our knowledge

Labcorp Genetics (formerly Invitae), Labcorp
Classification: Uncertain significance for GLUT1 deficiency syndrome 1, autosomal recessive. Last evaluated: 2024-08-28. Review status: criteria provided, single submitter. Criteria: Invitae Variant Classification Sherloc (09022015). Collection method: clinical testing. Allele origin: germline.
Comment: This sequence change replaces valine, which is neutral and non-polar, with methionine, which is neutral and non-polar, at codon 16 of the SLC2A1 protein (p.Val16Met). This variant is not present in population databases (gnomAD no frequency). This variant has not been reported in the literature in individuals affected with SLC2A1-related conditions. ClinVar contains an entry for this variant (Variation ID: 1338883). Invitae Evidence Modeling of protein sequence and biophysical properties (such as structural, functional, and spatial information, amino acid conservation, physicochemical variation, residue mobility, and thermodynamic stability) indicates that this missense variant is expected to disrupt SLC2A1 protein function with a positive predictive value of 95%. In summary, the available evidence is currently insufficient to determine the role of this variant in disease. Therefore, it has been classified as a Variant of Uncertain Significance.

NM_006516.4(SLC2A1):c.46G>A (p.Val16Met)

Gene: SLC2A1 (solute carrier family 2 member 1; minus strand). Cytogenetic location: 1p34.2.
Variant type: single nucleotide variant.
Coding change: c.46G>A on transcript NM_006516.4 (MANE Select); coding-DNA position 46, G replaced by A.
Protein change: p.Val16Met; replaces valine 16 with methionine.
Molecular consequence: missense variant.
Genome position (GRCh38, 1-based): chr1:42,943,294, C>T on the plus strand (G>A on the coding strand, the complement: SLC2A1 is on the minus strand). VCF-style: chr1-42943294-C-T. GRCh37 (hg19) VCF-style: chr1-43408965-C-T.
Other names: short protein forms V16M.
Identifiers: ClinVar variation 1338883 (VCV001338883.6), dbSNP rs1553156841, ClinGen allele CA339964869.